The following is an entry in ClinVar:

ClinVar aggregate classification (germline): Uncertain significance. Review status: criteria provided, multiple submitters, no conflicts (2 of 4 stars). 4 submissions from 4 submitters: Uncertain significance (3). 1 of the submissions does not count toward it. Last evaluated 2024-09-06.

Conditions:
McKusick-Kaufman syndrome (MKKS). Also called: HYDROMETROCOLPOS SYNDROME; HYDROMETROCOLPOS, POSTAXIAL POLYDACTYLY, AND CONGENITAL HEART MALFORMATION. Identifiers: Orphanet 2473, MedGen C0948368, MONDO:0009367, OMIM 236700.
Bardet-Biedl syndrome 6 (BBS6). Identifiers: Orphanet 110, MedGen C1858054, MONDO:0011523, OMIM 605231.
Bardet-Biedl syndrome (BBS). Identifiers: Orphanet 110, MedGen C0752166, MONDO:0015229.
MKKS-related disorder. Also called: MKKS-related condition; MKKS-related disorders.

Allele frequency attached by ClinVar (database versions not stated): ESP Exome Variant Server 0.00008; gnomAD exomes 0.00008 and 0.00020; ExAC 0.00010; gnomAD 0.00020; TOPMed 0.00020; 1000 Genomes Project 30x 0.00031; 1000 Genomes Project 0.00040.
gnomAD v4.1: 314 of 1,614,060 alleles (0.019%); highest among the groups gnomAD compares: Non-Finnish European, 0.025%; no homozygotes.

Submissions (4):

Labcorp Genetics (formerly Invitae), Labcorp
Classification: Uncertain significance for McKusick-Kaufman syndrome; Bardet-Biedl syndrome. Last evaluated: 2024-09-06. Review status: criteria provided, single submitter. Criteria: Invitae Variant Classification Sherloc (09022015). Collection method: clinical testing. Allele origin: germline.
Comment: This sequence change replaces glutamic acid, which is acidic and polar, with glycine, which is neutral and non-polar, at codon 20 of the MKKS protein (p.Glu20Gly). This variant is present in population databases (rs199553497, gnomAD 0.02%). This variant has not been reported in the literature in individuals affected with MKKS-related conditions. ClinVar contains an entry for this variant (Variation ID: 498858). Invitae Evidence Modeling of protein sequence and biophysical properties (such as structural, functional, and spatial information, amino acid conservation, physicochemical variation, residue mobility, and thermodynamic stability) has been performed for this missense variant. However, the output from this modeling did not meet the statistical confidence thresholds required to predict the impact of this variant on MKKS protein function. In summary, the available evidence is currently insufficient to determine the role of this variant in disease. Therefore, it has been classified as a Variant of Uncertain Significance.

Fulgent Genetics
Classification: Uncertain significance for McKusick-Kaufman syndrome; Bardet-Biedl syndrome 6. Last evaluated: 2022-02-04. Review status: criteria provided, single submitter. Criteria: ACMG Guidelines, 2015. Collection method: clinical testing. Allele origin: unknown.

Eurofins Ntd Llc (ga)
Classification: Uncertain significance. Last evaluated: 2017-01-03. Review status: criteria provided, single submitter. Criteria: EGL Classification Definitions 2015. Collection method: clinical testing. Allele origin: germline. Observed: 1 variant allele, 1 heterozygote.

PreventionGenetics, part of Exact Sciences
Classification: Uncertain significance for MKKS-related condition. Last evaluated: 2024-09-24. Review status: no assertion criteria provided. Collection method: clinical testing. Allele origin: germline. Not counted in ClinVar's aggregate classification.
Comment: The MKKS c.59A>G variant is predicted to result in the amino acid substitution p.Glu20Gly. To our knowledge, this variant has not been reported in the literature. This variant is reported in 0.015% of alleles in individuals of European (Non-Finnish) descent in gnomAD. At this time, the clinical significance of this variant is uncertain due to the absence of conclusive functional and genetic evidence.

NM_170784.3(MKKS):c.59A>G (p.Glu20Gly)

Gene: MKKS (MKKS centrosomal shuttling protein; minus strand). Cytogenetic location: 20p12.2.
Variant type: single nucleotide variant.
Coding change: c.59A>G on transcript NM_170784.3 (MANE Select); coding-DNA position 59, A replaced by G.
Protein change: p.Glu20Gly; replaces glutamic acid 20 with glycine.
Molecular consequence: missense variant.
Genome position (GRCh38, 1-based): chr20:10,413,456, T>C on the plus strand (A>G on the coding strand, the complement: MKKS is on the minus strand). VCF-style: chr20-10413456-T-C. GRCh37 (hg19) VCF-style: chr20-10394104-T-C.
Other names: c.59A>G, p.Glu20Gly (NM_018848.3); short protein forms E20G.
Identifiers: ClinVar variation 498858 (VCV000498858.13), dbSNP rs199553497, ClinGen allele CA9763752.